The following is an entry in ClinVar:

NM_001710.6(CFB):c.713T>G (p.Leu238Arg)

Gene: CFB (complement factor B; plus strand). Cytogenetic location: 6p21.33.
Variant type: single nucleotide variant.
Coding change: c.713T>G on transcript NM_001710.6 (MANE Select); coding-DNA position 713, T replaced by G.
Protein change: p.Leu238Arg; replaces leucine 238 with arginine.
Molecular consequence: missense variant.
Genome position (GRCh38, 1-based): chr6:31,947,796, T>G. VCF-style: chr6-31947796-T-G. GRCh37 (hg19) VCF-style: chr6-31915573-T-G.
Other names: short protein forms L238R.
Identifiers: ClinVar variation 3236135 (VCV003236135.1), dbSNP rs1771532271, ClinGen allele CA363394805.

ClinVar aggregate classification (germline): Uncertain significance (1 of 4 stars; one submission).

Conditions:
Atypical hemolytic-uremic syndrome with B factor anomaly. Also called: HEMOLYTIC UREMIC SYNDROME, ATYPICAL, SUSCEPTIBILITY TO, 4; AHUS, SUSCEPTIBILITY TO, 4. Identifiers: Orphanet 2134, MedGen C2752038, MONDO:0013042, OMIM 612924.

Allele frequency attached by ClinVar (database versions not stated): gnomAD 0.00001.

Submission:

MVZ Medizinische Genetik Mainz
Classification: Uncertain significance for Atypical hemolytic-uremic syndrome with B factor anomaly. Last evaluated: 2023-01-23. Review status: criteria provided, single submitter. Criteria: UK Practice Guidelines For Variant Classification V4 01 2020. Collection method: clinical testing. Allele origin: germline. Inheritance: Autosomal dominant inheritance. Affected: yes. Observed: 1 variant allele.
Comment: ACMG Criteria: PM2_SUP, PP3